The following is an entry in ClinVar:

ClinVar aggregate classification (germline): Likely benign (1 of 4 stars; one submission).

Submission:

CeGaT Center for Human Genetics Tuebingen
Classification: Likely benign. Last evaluated: 2025-09-01. Review status: criteria provided, single submitter. Criteria: CeGaT Center For Human Genetics Tuebingen Variant Classification Criteria Version 2. Collection method: clinical testing. Allele origin: germline. Affected: yes. Observed: 1 variant allele.
Comment: KCTD1: PM2:Supporting, BP4, BP7

NM_001142730.3(KCTD1):c.1374C>A (p.Ile458=)

Gene: KCTD1 (potassium channel tetramerization domain containing 1; minus strand). Cytogenetic location: 18q11.2.
Variant type: single nucleotide variant.
Coding change: c.1374C>A on transcript NM_001142730.3 (MANE Select); coding-DNA position 1374, C replaced by A.
Protein change: p.Ile458=; no amino-acid change (isoleucine 458 retained).
Molecular consequence: synonymous variant. On other transcripts: intron variant (5).
Genome position (GRCh38, 1-based): chr18:26,547,163, G>T on the plus strand (C>A on the coding strand, the complement: KCTD1 is on the minus strand). VCF-style: chr18-26547163-G-T. GRCh37 (hg19) VCF-style: chr18-24127127-G-T.
Other names: c.10-45913C>A (NM_001258222.3); c.-15-45913C>A (NM_198991.4); c.-16+2566C>A (NM_001258221.2); c.-16+2081C>A (NM_001351443.1); c.-16+1728C>A (NM_001136205.2).
Identifiers: ClinVar variation 4281028 (VCV004281028.7).